The following is an entry in ClinVar:

ClinVar aggregate classification (germline): Uncertain significance (1 of 4 stars; one submission).

Conditions:
Hypertrophic cardiomyopathy. Also called: HYPERTROPHIC MYOCARDIOPATHY. Identifiers: Orphanet 217569, MedGen C0007194, MeSH D002312, MONDO:0005045, HP:0001639.

Submission:

Labcorp Genetics (formerly Invitae), Labcorp
Classification: Uncertain significance for Hypertrophic cardiomyopathy. Last evaluated: 2025-02-12. Review status: criteria provided, single submitter. Criteria: Invitae Variant Classification Sherloc (09022015). Collection method: clinical testing. Allele origin: germline.
Comment: This sequence change replaces proline, which is neutral and non-polar, with arginine, which is basic and polar, at codon 516 of the JPH2 protein (p.Pro516Arg). This variant is not present in population databases (gnomAD no frequency). This variant has not been reported in the literature in individuals affected with JPH2-related conditions. An algorithm developed to predict the effect of missense changes on protein structure and function (PolyPhen-2) suggests that this variant is likely to be tolerated. In summary, the available evidence is currently insufficient to determine the role of this variant in disease. Therefore, it has been classified as a Variant of Uncertain Significance.

NM_020433.5(JPH2):c.1547C>G (p.Pro516Arg)

Gene: JPH2 (junctophilin 2; minus strand). Cytogenetic location: 20q13.12.
Variant type: single nucleotide variant.
Coding change: c.1547C>G on transcript NM_020433.5 (MANE Select); coding-DNA position 1547, C replaced by G.
Protein change: p.Pro516Arg; replaces proline 516 with arginine.
Molecular consequence: missense variant.
Genome position (GRCh38, 1-based): chr20:44,116,128, G>C on the plus strand (C>G on the coding strand, the complement: JPH2 is on the minus strand). VCF-style: chr20-44116128-G-C. GRCh37 (hg19) VCF-style: chr20-42744768-G-C.
Other names: short protein forms P516R.
Identifiers: ClinVar variation 4712903 (VCV004712903.1).
Genomic context (GRCh38, chr20:44,116,128, plus strand): 5'-GCGGGGCTGCGGCGGCCCGCGCCCTCGGACGGAGTGACTGACCGGCTGCCCTCACCGCTG[G>C]GCTCGCCGTTCCAGGCGCCTGGGCTCAGCAGGCCGTCCTTGGACACCCCGGGCCTGGGCC-3'
Protein context (NP_065166.2, residues 506-526): LLSPGAWNGE[Pro516Arg]SGEGSRSVTP